The following is an entry in ClinVar:

NM_003611.3(OFD1):c.1063C>T (p.Leu355Phe)

Gene: OFD1 (OFD1 centriole and centriolar satellite protein; plus strand). Cytogenetic location: Xp22.2.
Variant type: single nucleotide variant.
Coding change: c.1063C>T on transcript NM_003611.3 (MANE Select); coding-DNA position 1063, C replaced by T.
Protein change: p.Leu355Phe; replaces leucine 355 with phenylalanine.
Molecular consequence: missense variant.
Genome position (GRCh38, 1-based): chrX:13,753,375, C>T. VCF-style: chrX-13753375-C-T. GRCh37 (hg19) VCF-style: chrX-13771494-C-T.
Other names: c.943C>T, p.Leu315Phe (NM_001330209.2); c.643C>T, p.Leu215Phe (NM_001330210.2); short protein forms L215F, L315F, L355F.
Identifiers: ClinVar variation 2235164 (VCV002235164.4), dbSNP rs2518885758, ClinGen allele CA412341704.

ClinVar aggregate classification (germline): Uncertain significance. Review status: criteria provided, multiple submitters, no conflicts (2 of 4 stars). 2 submissions from 2 submitters: Uncertain significance (2). Last evaluated 2024-03-14.

Conditions:
Primary ciliary dyskinesia. Also called: Ciliary dyskinesia. Identifiers: Orphanet 244, MedGen C0008780, MONDO:0016575, HP:0012265.
Joubert syndrome. Also called: JOUBERT-BOLTSHAUSER SYNDROME; Familial aplasia of the vermis. Identifiers: Orphanet 475, MedGen C5979921, MONDO:0018772.
Orofaciodigital syndrome I (OFD1). Also called: OFDS I; Papillon-Leage and Psaume Syndrome; Oral-Facial-Digital Syndrome Type I. Identifiers: Orphanet 2750, MedGen C1510460, MONDO:0010702, OMIM 311200.

Submissions (2):

Labcorp Genetics (formerly Invitae), Labcorp
Classification: Uncertain significance for Orofaciodigital syndrome I; Joubert syndrome. Last evaluated: 2024-03-14. Review status: criteria provided, single submitter. Criteria: Invitae Variant Classification Sherloc (09022015). Collection method: clinical testing. Allele origin: germline.
Comment: This sequence change replaces leucine, which is neutral and non-polar, with phenylalanine, which is neutral and non-polar, at codon 355 of the OFD1 protein (p.Leu355Phe). This variant is not present in population databases (gnomAD no frequency). This variant has not been reported in the literature in individuals affected with OFD1-related conditions. ClinVar contains an entry for this variant (Variation ID: 2235164). Advanced modeling of protein sequence and biophysical properties (such as structural, functional, and spatial information, amino acid conservation, physicochemical variation, residue mobility, and thermodynamic stability) performed at Invitae indicates that this missense variant is not expected to disrupt OFD1 protein function with a negative predictive value of 80%. In summary, the available evidence is currently insufficient to determine the role of this variant in disease. Therefore, it has been classified as a Variant of Uncertain Significance.

Ambry Genetics
Classification: Uncertain significance for Primary ciliary dyskinesia. Last evaluated: 2021-07-06. Review status: criteria provided, single submitter. Criteria: Ambry Variant Classification Scheme 2023. Collection method: clinical testing. Allele origin: germline.